The following is an entry in ClinVar:

NM_000271.5(NPC1):c.3106A>G (p.Thr1036Ala)

Gene: NPC1 (NPC intracellular cholesterol transporter 1; minus strand). Cytogenetic location: 18q11.2.
Variant type: single nucleotide variant.
Coding change: c.3106A>G on transcript NM_000271.5 (MANE Select); coding-DNA position 3106, A replaced by G.
Protein change: p.Thr1036Ala; replaces threonine 1036 with alanine.
Molecular consequence: missense variant.
Genome position (GRCh38, 1-based): chr18:23,536,812, T>C on the plus strand (A>G on the coding strand, the complement: NPC1 is on the minus strand). VCF-style: chr18-23536812-T-C. GRCh37 (hg19) VCF-style: chr18-21116776-T-C.
Other names: short protein forms T1036A.
Identifiers: ClinVar variation 2886240 (VCV002886240.4), dbSNP rs2511197628, ClinGen allele CA401791930.
Genomic context (GRCh38, chr18:23,536,812, plus strand): 5'-TCAGAGCGTCAATAAAGTCAGCAGAGGTCTGCAGCACGGTGTGGTAGGTCATGAAGTACG[T>C]GGCTCCGACCCTGGTGCCATGGCCAAGGAGGATGTTAACTGCAGAACTATAGGCAGCATG-3'
Protein context (NP_000262.2, residues 1026-1046): LLGHGTRVGA[Thr1036Ala]YFMTYHTVLQ

ClinVar aggregate classification (germline): Pathogenic/Likely pathogenic. Review status: criteria provided, multiple submitters, no conflicts (2 of 4 stars). 2 submissions from 2 submitters: Pathogenic (1); Likely pathogenic (1). Last evaluated 2025-05-01.

Conditions:
Niemann-Pick disease, type C (NPC). Identifiers: Orphanet 646, MedGen C0220756, MONDO:0018982.
Niemann-Pick disease, type C1. Also called: NEUROVISCERAL STORAGE DISEASE WITH VERTICAL SUPRANUCLEAR OPHTHALMOPLEGIA; NIEMANN-PICK DISEASE WITH CHOLESTEROL ESTERIFICATION BLOCK; NIEMANN-PICK DISEASE WITHOUT SPHINGOMYELINASE DEFICIENCY; NIEMANN-PICK DISEASE, CHRONIC NEURONOPATHIC FORM; NIEMANN-PICK DISEASE, VARIANT TYPE C1. Identifiers: Orphanet 646, MedGen C3179455, MONDO:0009757, OMIM 257220.

Submissions (2):

Women's Health and Genetics/Laboratory Corporation of America, LabCorp
Classification: Likely pathogenic for Niemann-Pick disease, type C. Last evaluated: 2025-05-01. Review status: criteria provided, single submitter. Criteria: LabCorp Variant Classification Summary - May 2015. Collection method: clinical testing. Allele origin: germline.
Comment: Variant summary: NPC1 c.3106A>G (p.Thr1036Ala) results in a non-conservative amino acid change in the encoded protein sequence. Four of five in-silico tools predict a damaging effect of the variant on protein function. The variant was absent in 251438 control chromosomes. c.3106A>G has been observed in individual(s) affected with Niemann-Pick Disease Type C (Dardis_2020, Deodato_2018). These data indicate that the variant may be associated with disease. A different variant affecting the same codon has been classified as pathogenic by our lab (c.3107C>T, p.Thr1036Met), supporting the critical relevance of codon 1036 to NPC1 protein function. To our knowledge, no experimental evidence demonstrating an impact on protein function has been reported. The following publications have been ascertained in the context of this evaluation (PMID: 32138288, 30153451). ClinVar contains an entry for this variant (Variation ID: 2886240). Based on the evidence outlined above, the variant was classified as likely pathogenic.

Labcorp Genetics (formerly Invitae), Labcorp
Classification: Pathogenic for Niemann-Pick disease, type C1. Last evaluated: 2023-04-28. Review status: criteria provided, single submitter. Criteria: Invitae Variant Classification Sherloc (09022015). Collection method: clinical testing. Allele origin: germline.
Comment: This sequence change replaces threonine, which is neutral and polar, with alanine, which is neutral and non-polar, at codon 1036 of the NPC1 protein (p.Thr1036Ala). This variant is not present in population databases (gnomAD no frequency). This missense change has been observed in individual(s) with Niemann-Pick Type C disease (PMID: 32138288). Advanced modeling of protein sequence and biophysical properties (such as structural, functional, and spatial information, amino acid conservation, physicochemical variation, residue mobility, and thermodynamic stability) performed at Invitae indicates that this missense variant is expected to disrupt NPC1 protein function. This variant disrupts the p.Thr1036 amino acid residue in NPC1. Other variant(s) that disrupt this residue have been determined to be pathogenic (PMID: 9211849, 12955717, 17160617, 26666848, 28222799; Invitae). This suggests that this residue is clinically significant, and that variants that disrupt this residue are likely to be disease-causing. For these reasons, this variant has been classified as Pathogenic.

Literature cited by the submitters: PubMed 30153451 (cited by Women's Health and Genetics/Laboratory Corporation of America, LabCorp); PubMed 32138288 (cited by Women's Health and Genetics/Laboratory Corporation of America, LabCorp and Labcorp Genetics (formerly Invitae), Labcorp); PubMed 9211849 (cited by Labcorp Genetics (formerly Invitae), Labcorp); PubMed 12955717 (cited by Labcorp Genetics (formerly Invitae), Labcorp); PubMed 17160617 (cited by Labcorp Genetics (formerly Invitae), Labcorp); PubMed 26666848 (cited by Labcorp Genetics (formerly Invitae), Labcorp); PubMed 28222799 (cited by Labcorp Genetics (formerly Invitae), Labcorp).